The following is an entry in ClinVar:

NM_173689.7(CRB2):c.2266A>C (p.Ser756Arg)

Gene: CRB2 (crumbs cell polarity complex component 2; plus strand). Cytogenetic location: 9q33.3.
Variant type: single nucleotide variant.
Coding change: c.2266A>C on transcript NM_173689.7 (MANE Select); coding-DNA position 2266, A replaced by C.
Protein change: p.Ser756Arg; replaces serine 756 with arginine.
Molecular consequence: missense variant. On other transcripts: non-coding transcript variant (1).
Genome position (GRCh38, 1-based): chr9:123,371,408, A>C. VCF-style: chr9-123371408-A-C. GRCh37 (hg19) VCF-style: chr9-126133687-A-C.
Other names: short protein forms S756R.
Identifiers: ClinVar variation 1706308 (VCV001706308.2), dbSNP rs2550685599, ClinGen allele CA374865708.
Genomic context (GRCh38, chr9:123,371,408, plus strand): 5'-GACCAGCTGCAGGACCTGGGGCAGCACGTGCACGTGGGTGGGAGGCTCCTTGCTGCCGAC[A>C]GCCAGCCCTGGGGTGGGCCCTTCCGAGGCTGCCTCCAGGACCTGCGACTCGATGGCTGCC-3'
Protein context (NP_775960.4, residues 746-766): HVGGRLLAAD[Ser756Arg]QPWGGPFRGC

ClinVar aggregate classification (germline): Uncertain significance (1 of 4 stars; one submission).

Submission:

GeneDx
Classification: Uncertain significance. Last evaluated: 2022-03-14. Review status: criteria provided, single submitter. Criteria: GeneDx Variant Classification Process June 2021. Collection method: clinical testing. Allele origin: germline. Affected: yes.
Comment: Not observed at significant frequency in large population cohorts (gnomAD); In silico analysis supports that this missense variant does not alter protein structure/function; Has not been previously published as pathogenic or benign to our knowledge